The following is an entry in ClinVar:

NM_000124.4(ERCC6):c.3544A>T (p.Lys1182Ter)

Gene: ERCC6 (ERCC excision repair 6, chromatin remodeling factor; minus strand). Cytogenetic location: 10q11.23.
Variant type: single nucleotide variant.
Coding change: c.3544A>T on transcript NM_000124.4 (MANE Select); coding-DNA position 3544, A replaced by T.
Protein change: p.Lys1182Ter; replaces lysine 1182 with a stop codon.
Molecular consequence: nonsense.
Genome position (GRCh38, 1-based): chr10:49,470,416, T>A on the plus strand (A>T on the coding strand, the complement: ERCC6 is on the minus strand). VCF-style: chr10-49470416-T-A. GRCh37 (hg19) VCF-style: chr10-50678462-T-A.
Other names: c.3544A>T, p.Lys1182Ter (NM_001346440.2); short protein forms K1182*.
Identifiers: ClinVar variation 983687 (VCV000983687.3), dbSNP rs1850754584, ClinGen allele CA376713931.

ClinVar aggregate classification (germline): Likely pathogenic (1 of 4 stars; one submission).

Conditions:
Cockayne syndrome type 2 (CSB). Also called: Cockayne Syndrome, Type II; COCKAYNE SYNDROME B. Identifiers: Orphanet 191, Orphanet 90322, MedGen C0751038, MONDO:0019570, OMIM 133540.

Submission:

Myriad Genetics, Inc.
Classification: Likely pathogenic for Cockayne syndrome type 2. Last evaluated: 2019-05-01. Review status: criteria provided, single submitter. Criteria: Myriad Women's Health Autosomal Recessive and X-Linked Classification Criteria (2019). Collection method: clinical testing. Allele origin: unknown.
Comment: NM_000124.2(ERCC6):c.3544A>T(K1182*) is expected to be pathogenic in the context of ERCC6-related disorders. This variant is predicted to lead to an abnormal or absent protein product due to the creation of a premature termination codon in ERCC6, a gene where loss-of-function variants are known to be pathogenic. Please note: this variant was assessed in the context of healthy population screening.